The following is an entry in ClinVar:

NM_002637.4(PHKA1):c.2603C>T (p.Ser868Phe)

Gene: PHKA1 (phosphorylase kinase regulatory subunit alpha 1; minus strand). Cytogenetic location: Xq13.1.
Variant type: single nucleotide variant.
Coding change: c.2603C>T on transcript NM_002637.4 (MANE Select); coding-DNA position 2603, C replaced by T.
Protein change: p.Ser868Phe; replaces serine 868 with phenylalanine.
Molecular consequence: missense variant.
Genome position (GRCh38, 1-based): chrX:72,609,627, G>A on the plus strand (C>T on the coding strand, the complement: PHKA1 is on the minus strand). VCF-style: chrX-72609627-G-A. GRCh37 (hg19) VCF-style: chrX-71829477-G-A.
Other names: c.2603C>T, p.Ser868Phe (NM_001122670.2); c.2426C>T, p.Ser809Phe (NM_001172436.2); short protein forms S809F, S868F.
Identifiers: ClinVar variation 2061555 (VCV002061555.4), dbSNP rs782560756, ClinGen allele CA10450655.

ClinVar aggregate classification (germline): Uncertain significance (1 of 4 stars; one submission).

Conditions:
Glycogen storage disease IXd (GSD9D). Also called: GSD IXd; Muscle Phosphorylase Kinase Deficiency. Identifiers: Orphanet 715, MedGen C1845151, MONDO:0010362, OMIM 300559.

Allele frequency attached by ClinVar (database versions not stated): gnomAD 0.00001; gnomAD exomes 0.00001; ExAC 0.00006.
gnomAD v4.1: 10 of 1,194,217 alleles (0.00084%); highest among the groups gnomAD compares: Admixed American, 0.02%; no homozygotes.

Submission:

Labcorp Genetics (formerly Invitae), Labcorp
Classification: Uncertain significance for Glycogen storage disease IXd. Last evaluated: 2022-05-17. Review status: criteria provided, single submitter. Criteria: Invitae Variant Classification Sherloc (09022015). Collection method: clinical testing. Allele origin: germline.
Comment: Algorithms developed to predict the effect of missense changes on protein structure and function are either unavailable or do not agree on the potential impact of this missense change (SIFT: "Deleterious"; PolyPhen-2: "Benign"; Align-GVGD: "Class C0"). In summary, the available evidence is currently insufficient to determine the role of this variant in disease. Therefore, it has been classified as a Variant of Uncertain Significance. This variant has not been reported in the literature in individuals affected with PHKA1-related conditions. This variant is present in population databases (rs782560756, gnomAD 0.03%). This sequence change replaces serine, which is neutral and polar, with phenylalanine, which is neutral and non-polar, at codon 868 of the PHKA1 protein (p.Ser868Phe).